The following is an entry in ClinVar:

NM_016239.4(MYO15A):c.2222C>T (p.Pro741Leu)

Gene: MYO15A (myosin XVA; plus strand). Cytogenetic location: 17p11.2.
Variant type: single nucleotide variant.
Coding change: c.2222C>T on transcript NM_016239.4 (MANE Select); coding-DNA position 2222, C replaced by T.
Protein change: p.Pro741Leu; replaces proline 741 with leucine.
Molecular consequence: missense variant.
Genome position (GRCh38, 1-based): chr17:18,121,022, C>T. VCF-style: chr17-18121022-C-T. GRCh37 (hg19) VCF-style: chr17-18024336-C-T.
Other names: short protein forms P741L.
Identifiers: ClinVar variation 1924228 (VCV001924228.2), dbSNP rs925726957, ClinGen allele CA288388345.
Genomic context (GRCh38, chr17:18,121,022, plus strand): 5'-TCGTGGAGCCCCCTGCCGTGAGCCCGGAGGTGCCCCCCGACCTACTAGCCTTCCCAGGGC[C>T]CCGACCCTCGTTCAGGGGCTCCCGCCGGAGAGGGGCGGCTTTCGGCTTCCCCGGGGCCTC-3'
Protein context (NP_057323.3, residues 731-751): VPPDLLAFPG[Pro741Leu]RPSFRGSRRR

ClinVar aggregate classification (germline): Uncertain significance (1 of 4 stars; one submission).

Allele frequency attached by ClinVar (database versions not stated): gnomAD exomes 0.00001; gnomAD 0.00004; TOPMed 0.00004.
gnomAD v4.1: 20 of 1,509,126 alleles (0.0013%); highest among the groups gnomAD compares: Non-Finnish European, 0.0018%; no homozygotes.

Submission:

Labcorp Genetics (formerly Invitae), Labcorp
Classification: Uncertain significance. Last evaluated: 2022-08-08. Review status: criteria provided, single submitter. Criteria: Invitae Variant Classification Sherloc (09022015). Collection method: clinical testing. Allele origin: germline.
Comment: This sequence change replaces proline, which is neutral and non-polar, with leucine, which is neutral and non-polar, at codon 741 of the MYO15A protein (p.Pro741Leu). The frequency data for this variant in the population databases is considered unreliable, as metrics indicate poor data quality at this position in the gnomAD database. This variant has not been reported in the literature in individuals affected with MYO15A-related conditions. Advanced modeling of protein sequence and biophysical properties (such as structural, functional, and spatial information, amino acid conservation, physicochemical variation, residue mobility, and thermodynamic stability) performed at Invitae indicates that this missense variant is not expected to disrupt MYO15A protein function. In summary, the available evidence is currently insufficient to determine the role of this variant in disease. Therefore, it has been classified as a Variant of Uncertain Significance.